The following is an entry in ClinVar:

NM_024915.4(GRHL2):c.1538G>A (p.Arg513Gln)

Genes: GRHL2 (grainyhead like transcription factor 2; plus strand), LOC126860461 (CDK7 strongly-dependent group 2 enhancer GRCh37_chr8:102655529-102656728; plus strand). Cytogenetic location: 8q22.3.
Variant type: single nucleotide variant.
Coding change: c.1538G>A on transcript NM_024915.4 (MANE Select); coding-DNA position 1538, G replaced by A.
Protein change: p.Arg513Gln; replaces arginine 513 with glutamine.
Molecular consequence: missense variant.
Genome position (GRCh38, 1-based): chr8:101,644,151, G>A. VCF-style: chr8-101644151-G-A. GRCh37 (hg19) VCF-style: chr8-102656379-G-A.
Other names: c.1490G>A, p.Arg497Gln (NM_001330593.2); c.1538G>A (NM_024915.3); short protein forms R497Q, R513Q.
Identifiers: ClinVar variation 2892699 (VCV002892699.5), dbSNP rs758783933, ClinGen allele CA4830617.
Genomic context (GRCh38, chr8:101,644,151, plus strand): 5'-TTGCTGGTTTTACTTAAGGATTTCTGCTTATCTTTTCTAGTGGCAGTGTCCTTGTTAAAC[G>A]GATGTTCCGGCCCATGGAAGAGGAGTTTGGTCCAGTGCCTTCAAAGCAGATGAAAGAAGA-3'
Protein context (NP_079191.2, residues 503-523): EREGGSVLVK[Arg513Gln]MFRPMEEEFG

ClinVar aggregate classification (germline): Uncertain significance. Review status: criteria provided, multiple submitters, no conflicts (2 of 4 stars). 3 submissions from 3 submitters: Uncertain significance (3). Last evaluated 2025-11-05.

Conditions:
Inborn genetic diseases. Identifiers: MedGen C0950123, MeSH D030342.
GRHL2-related disorder. Also called: GRHL2-related disorders; GRHL2-related condition.

Allele frequency attached by ClinVar (database versions not stated): gnomAD exomes 0.00001; TOPMed 0.00001; gnomAD 0.00002; ExAC 0.00004.

Submissions (3):

PreventionGenetics, part of Exact Sciences
Classification: Uncertain significance for GRHL2-related condition. Last evaluated: 2025-11-05. Review status: criteria provided, single submitter. Criteria: ACMG Guidelines, 2015. Collection method: clinical testing. Allele origin: germline.
Comment: The GRHL2 c.1538G>A variant is predicted to result in the amino acid substitution p.Arg513Gln. To our knowledge, this variant has not been reported in the literature. This variant is reported in 0.0098% of alleles in individuals of South Asian descent in gnomAD. At this time, the clinical significance of this variant is uncertain due to the absence of conclusive functional and genetic evidence.

Ambry Genetics
Classification: Uncertain significance for Inborn genetic diseases. Last evaluated: 2025-01-02. Review status: criteria provided, single submitter. Criteria: Ambry Variant Classification Scheme 2023. Collection method: clinical testing. Allele origin: germline.

Labcorp Genetics (formerly Invitae), Labcorp
Classification: Uncertain significance. Last evaluated: 2023-05-31. Review status: criteria provided, single submitter. Criteria: Invitae Variant Classification Sherloc (09022015). Collection method: clinical testing. Allele origin: germline.
Comment: In summary, the available evidence is currently insufficient to determine the role of this variant in disease. Therefore, it has been classified as a Variant of Uncertain Significance. Advanced modeling of protein sequence and biophysical properties (such as structural, functional, and spatial information, amino acid conservation, physicochemical variation, residue mobility, and thermodynamic stability) performed at Invitae indicates that this missense variant is not expected to disrupt GRHL2 protein function. This variant has not been reported in the literature in individuals affected with GRHL2-related conditions. This variant is present in population databases (rs758783933, gnomAD 0.01%). This sequence change replaces arginine, which is basic and polar, with glutamine, which is neutral and polar, at codon 513 of the GRHL2 protein (p.Arg513Gln).